The following is an entry in ClinVar:

ClinVar aggregate classification (germline): Uncertain significance (1 of 4 stars; one submission).

Allele frequency attached by ClinVar (database versions not stated): gnomAD 0.00001; gnomAD exomes below 0.00001; TOPMed 0.00001.
gnomAD v4.1: 3 of 1,418,018 alleles (0.00021%); highest among the groups gnomAD compares: Non-Finnish European, 0.00027%; no homozygotes.

Submission:

Labcorp Genetics (formerly Invitae), Labcorp
Classification: Uncertain significance. Last evaluated: 2024-05-20. Review status: criteria provided, single submitter. Criteria: Invitae Variant Classification Sherloc (09022015). Collection method: clinical testing. Allele origin: germline.
Comment: This sequence change falls in intron 9 of the TYMP gene. It does not directly change the encoded amino acid sequence of the TYMP protein. It affects a nucleotide within the consensus splice site. This variant is not present in population databases (gnomAD no frequency). This variant has not been reported in the literature in individuals affected with TYMP-related conditions. ClinVar contains an entry for this variant (Variation ID: 1934951). Variants that disrupt the consensus splice site are a relatively common cause of aberrant splicing (PMID: 17576681, 9536098). Algorithms developed to predict the effect of sequence changes on RNA splicing suggest that this variant may disrupt the consensus splice site. In summary, the available evidence is currently insufficient to determine the role of this variant in disease. Therefore, it has been classified as a Variant of Uncertain Significance.

Literature cited by the submitters: PubMed 17576681; PubMed 9536098.

NM_001953.5(TYMP):c.1300+4A>G

Genes: SCO2 (synthesis of cytochrome C oxidase 2; minus strand), TYMP (thymidine phosphorylase; minus strand), LOC130067862 (ATAC-STARR-seq lymphoblastoid silent region 13986; plus strand). Cytogenetic location: 22q13.33.
Variant type: single nucleotide variant.
Coding change: c.1300+4A>G on transcript NM_001953.5 (MANE Select); 4 bases into the intron after coding-DNA position 1300, A replaced by G.
Molecular consequence: intron variant.
Genome position (GRCh38, 1-based): chr22:50,525,997, T>C on the plus strand (A>G on the coding strand, the complement: TYMP is on the minus strand). VCF-style: chr22-50525997-T-C. GRCh37 (hg19) VCF-style: chr22-50964426-T-C.
Other names: c.-14+249A>G (NM_001169109.2); c.-14+4A>G (NM_001169110.1); c.1315+4A>G (NM_001257989.1); c.1300+4A>G (NM_001257988.1, NM_001113755.3, NM_001113756.3).
Identifiers: ClinVar variation 1934951 (VCV001934951.3), dbSNP rs1401543018, ClinGen allele CA754072371.